The following is an entry in ClinVar:

ClinVar aggregate classification (germline): Uncertain significance (1 of 4 stars; one submission).

Conditions:
Developmental delay, impaired speech, and behavioral abnormalities, with or without seizures (DEDISB). Identifiers: MedGen C5575272, MONDO:0859263, OMIM 619964.

Submission:

Neuberg Centre For Genomic Medicine, NCGM
Classification: Uncertain significance for Developmental delay, impaired speech, and behavioral abnormalities, with or without seizures. Last evaluated: 2023-05-20. Review status: criteria provided, single submitter. Criteria: ACMG Guidelines, 2015. Collection method: clinical testing. Allele origin: germline. Inheritance: Autosomal dominant inheritance. Affected: yes.
Comment: The missense c.3004G>A (p.Ala1002Thr) variant in the ARFGEF1 gene has not been reported previously as a pathogenic variant nor as a benign variant, to our knowledge. This variant is absent in the gnomAD Exomes. The amino acid Alanine at position 1002 is changed to a Threonine changing protein sequence and it might alter its composition and physico-chemical properties. Multiple lines of computational evidence (Polyphen - Damaging, SIFT - Damaging and MutationTaster - Disease causing) predict no damaging effect on protein structure and function for this variant. The amino acid Alanine in ARFGEF1 is predicted as conserved by GERP++ and PhyloP across 100 vertebrates. For these reasons, this variant has been classified as Uncertain Significance.

NM_006421.5(ARFGEF1):c.3004G>A (p.Ala1002Thr)

Gene: ARFGEF1 (ARF guanine nucleotide exchange factor 1; minus strand). Cytogenetic location: 8q13.2.
Variant type: single nucleotide variant.
Coding change: c.3004G>A on transcript NM_006421.5 (MANE Select); coding-DNA position 3004, G replaced by A.
Protein change: p.Ala1002Thr; replaces alanine 1002 with threonine.
Molecular consequence: missense variant. On other transcripts: non-coding transcript variant (1).
Genome position (GRCh38, 1-based): chr8:67,238,869, C>T on the plus strand (G>A on the coding strand, the complement: ARFGEF1 is on the minus strand). VCF-style: chr8-67238869-C-T. GRCh37 (hg19) VCF-style: chr8-68151104-C-T.
Other names: c.3004G>A, p.Ala1002Thr (NM_001413184.1, NM_001413185.1, NM_001413186.1 and 6 more transcripts); c.2404G>A, p.Ala802Thr (NM_001413188.1, NM_001413193.1, NM_001413197.1); c.2998G>A, p.Ala1000Thr (NM_001413190.1); c.1579G>A, p.Ala527Thr (NM_001413196.1); short protein forms A1000T, A1002T, A527T, A802T.
Identifiers: ClinVar variation 3362353 (VCV003362353.3).